The following is an entry in ClinVar:

ClinVar aggregate classification (germline): Uncertain significance (1 of 4 stars; one submission).

Conditions:
Inborn genetic diseases. Identifiers: MedGen C0950123, MeSH D030342.

Submission:

Ambry Genetics
Classification: Uncertain significance for Inborn genetic diseases. Last evaluated: 2020-12-30. Review status: criteria provided, single submitter. Criteria: Ambry Variant Classification Scheme 2023. Collection method: clinical testing. Allele origin: germline.
Comment: The c.769+3A>G intronic alteration consists of an A to G substitution 3 nucleotides after exon 7 (coding exon 6) of the RSPRY1 gene. In silico splice site analysis predicts that this alteration will not have any significant effect on splicing. Based on insufficient or conflicting evidence, the clinical significance of this alteration remains unclear.

NM_133368.3(RSPRY1):c.769+3A>G

Gene: RSPRY1 (ring finger and SPRY domain containing 1; plus strand). Cytogenetic location: 16q13.
Variant type: single nucleotide variant.
Coding change: c.769+3A>G on transcript NM_133368.3 (MANE Select); 3 bases into the intron after coding-DNA position 769, A replaced by G.
Molecular consequence: intron variant.
Genome position (GRCh38, 1-based): chr16:57,216,176, A>G. VCF-style: chr16-57216176-A-G. GRCh37 (hg19) VCF-style: chr16-57250088-A-G.
Other names: c.769+3A>G (NM_001305163.2, NM_001305164.2).
Identifiers: ClinVar variation 2228628 (VCV002228628.2), dbSNP rs2545873596, ClinGen allele CA2580091695.